The following is an entry in ClinVar:

NM_198834.3(ACACA):c.1662+5C>G

Gene: ACACA (acetyl-CoA carboxylase alpha; minus strand). Cytogenetic location: 17q12.
Variant type: single nucleotide variant.
Coding change: c.1662+5C>G on transcript NM_198834.3 (MANE Select); 5 bases into the intron after coding-DNA position 1662, C replaced by G.
Molecular consequence: intron variant.
Genome position (GRCh38, 1-based): chr17:37,258,207, G>C on the plus strand (C>G on the coding strand, the complement: ACACA is on the minus strand). VCF-style: chr17-37258207-G-C. GRCh37 (hg19) VCF-style: chr17-35615129-G-C.
Other names: c.1551+5C>G (NM_198839.3, NM_198836.3); c.1377+5C>G (NM_198837.2); c.1317+5C>G (NM_198838.2).
Identifiers: ClinVar variation 1448306 (VCV001448306.6), dbSNP rs2081301736, ClinGen allele CA2573153855.

ClinVar aggregate classification (germline): Uncertain significance (1 of 4 stars; one submission).

gnomAD v4.1: 1 of 1,613,972 alleles (0.000062%); no homozygotes.

Submission:

Labcorp Genetics (formerly Invitae), Labcorp
Classification: Uncertain significance. Last evaluated: 2021-05-17. Review status: criteria provided, single submitter. Criteria: Invitae Variant Classification Sherloc (09022015). Collection method: clinical testing. Allele origin: germline.
Comment: Nucleotide substitutions within the consensus splice site are a relatively common cause of aberrant splicing (PMID: 17576681, 9536098). Algorithms developed to predict the effect of sequence changes on RNA splicing suggest that this variant may create or strengthen a splice site, but this prediction has not been confirmed by published transcriptional studies. In summary, the available evidence is currently insufficient to determine the role of this variant in disease. Therefore, it has been classified as a Variant of Uncertain Significance. This variant has not been reported in the literature in individuals with ACACA-related conditions. This variant is not present in population databases (ExAC no frequency). This sequence change falls in intron 17 of the ACACA gene. It does not directly change the encoded amino acid sequence of the ACACA protein. It affects a nucleotide within the consensus splice site of the intron.

Literature cited by the submitters: PubMed 17576681; PubMed 9536098.